The following is an entry in ClinVar:

ClinVar aggregate classification (germline): Conflicting classifications of pathogenicity. Review status: criteria provided, conflicting classifications (1 of 4 stars). 3 submissions from 3 submitters: Likely pathogenic (1); Uncertain significance (2). Last evaluated 2025-04-10.

Conditions:
SNORD118-related disorders.

gnomAD v4.1: 47 of 764,744 alleles (0.0061%); highest among the groups gnomAD compares: Non-Finnish European, 0.01%; no homozygotes.

Submissions (3):

GeneDx
Classification: Uncertain significance. Last evaluated: 2025-04-10. Review status: criteria provided, single submitter. Criteria: GeneDx Variant Classification Process June 2021. Collection method: clinical testing. Allele origin: germline. Affected: yes.
Comment: In the absence of RNA/functional studies, the actual effect of this sequence change is unknown; Located in a non-coding RNA; This variant is associated with the following publications: (PMID: 28177126, 33218075)

Blueprint Genetics
Classification: Likely pathogenic for SNORD118-related disorders. Last evaluated: 2024-11-26. Review status: criteria provided, single submitter. Criteria: ACMG Guidelines, 2015. Collection method: clinical testing. Allele origin: germline. Affected: yes. Observed: 5 variant alleles.

Labcorp Genetics (formerly Invitae), Labcorp
Classification: Uncertain significance. Last evaluated: 2024-11-12. Review status: criteria provided, single submitter. Criteria: Invitae Variant Classification Sherloc (09022015). Collection method: clinical testing. Allele origin: germline.
Comment: This variant occurs in the SNORD118 gene, which encodes an RNA molecule that does not result in a protein product. This variant is present in population databases (rs374791151, gnomAD 0.009%). This variant has been observed in individual(s) with leukoencephalopathy with brain calcifications and cysts (PMID: 28177126, 33218075). ClinVar contains an entry for this variant (Variation ID: 1421142). Experimental studies and prediction algorithms are not available or were not evaluated, and the functional significance of this variant is currently unknown. In summary, the available evidence is currently insufficient to determine the role of this variant in disease. Therefore, it has been classified as a Variant of Uncertain Significance.

Literature cited by the submitters: PubMed 28177126 (cited by Labcorp Genetics (formerly Invitae), Labcorp); PubMed 33218075 (cited by Labcorp Genetics (formerly Invitae), Labcorp).

NR_033294.2(SNORD118):n.19C>G

Genes: SNORD118 (small nucleolar RNA, C/D box 118; minus strand), TMEM107 (transmembrane protein 107; minus strand). Cytogenetic location: 17p13.1.
Variant type: single nucleotide variant.
Molecular consequence: non-coding transcript variant (on NR_033294.2). On other transcripts: 3 prime UTR variant (5).
Genome position: GRCh38 VCF-style: chr17-8173570-G-C. GRCh37 (hg19) VCF-style: chr17-8076888-G-C.
Other names: c.*633C>G (NM_001351278.2, NM_001351279.2, NM_001351280.2 and 2 more transcripts).
Identifiers: ClinVar variation 1421142 (VCV001421142.7), dbSNP rs374791151, ClinGen allele CA8370814.